The following is an entry in ClinVar:

ClinVar aggregate classification (germline): Uncertain significance (1 of 4 stars; one submission).

Conditions:
Inborn genetic diseases. Identifiers: MedGen C0950123, MeSH D030342.

gnomAD v4.1: 1 of 1,614,228 alleles (0.000062%); no homozygotes.

Submission:

Ambry Genetics
Classification: Uncertain significance for Inborn genetic diseases. Last evaluated: 2024-06-15. Review status: criteria provided, single submitter. Criteria: Ambry Variant Classification Scheme 2023. Collection method: clinical testing. Allele origin: germline.
Comment: The p.E320Q variant (also known as c.958G>C), located in coding exon 8 of the EPAS1 gene, results from a G to C substitution at nucleotide position 958. The glutamic acid at codon 320 is replaced by glutamine, an amino acid with highly similar properties. This amino acid position is conserved. In addition, this alteration is predicted to be tolerated by in silico analysis. Based on the available evidence, the clinical significance of this variant remains unclear.

NM_001430.5(EPAS1):c.958G>C (p.Glu320Gln)

Gene: EPAS1 (endothelial PAS domain protein 1; plus strand). Cytogenetic location: 2p21.
Variant type: single nucleotide variant.
Coding change: c.958G>C on transcript NM_001430.5 (MANE Select); coding-DNA position 958, G replaced by C.
Protein change: p.Glu320Gln; replaces glutamic acid 320 with glutamine.
Molecular consequence: missense variant.
Genome position (GRCh38, 1-based): chr2:46,375,761, G>C. VCF-style: chr2-46375761-G-C. GRCh37 (hg19) VCF-style: chr2-46602900-G-C.
Other names: short protein forms E320Q.
Identifiers: ClinVar variation 3275740 (VCV003275740.1).